The following is an entry in ClinVar:

ClinVar aggregate classification (germline): Uncertain significance (1 of 4 stars; one submission).

Conditions:
Inborn genetic diseases. Identifiers: MedGen C0950123, MeSH D030342.

Submission:

Ambry Genetics
Classification: Uncertain significance for Inborn genetic diseases. Last evaluated: 2025-04-29. Review status: criteria provided, single submitter. Criteria: Ambry Variant Classification Scheme 2023. Collection method: clinical testing. Allele origin: germline.
Comment: The p.A637P variant (also known as c.1909G>C), located in coding exon 1 of the SAMD9L gene, results from a G to C substitution at nucleotide position 1909. The alanine at codon 637 is replaced by proline, an amino acid with highly similar properties. This amino acid position is conserved. In addition, this alteration is predicted to be tolerated by in silico analysis. Based on the available evidence, the clinical significance of this variant remains unclear.

NM_152703.5(SAMD9L):c.1909G>C (p.Ala637Pro)

Gene: SAMD9L (sterile alpha motif domain containing 9 like; minus strand). Cytogenetic location: 7q21.2.
Variant type: single nucleotide variant.
Coding change: c.1909G>C on transcript NM_152703.5 (MANE Select); coding-DNA position 1909, G replaced by C.
Protein change: p.Ala637Pro; replaces alanine 637 with proline.
Molecular consequence: missense variant.
Genome position (GRCh38, 1-based): chr7:93,134,063, C>G on the plus strand (G>C on the coding strand, the complement: SAMD9L is on the minus strand). VCF-style: chr7-93134063-C-G. GRCh37 (hg19) VCF-style: chr7-92763376-C-G.
Other names: c.1909G>C, p.Ala637Pro (NM_001303496.3, NM_001303497.3, NM_001303498.3 and 5 more transcripts); short protein forms A637P.
Identifiers: ClinVar variation 3949883 (VCV003949883.1).